The following is an entry in ClinVar:

ClinVar aggregate classification (germline): Uncertain significance (1 of 4 stars; one submission).

Allele frequency attached by ClinVar (database versions not stated): gnomAD 0.00001; gnomAD exomes 0.00001; ExAC 0.00002; 1000 Genomes Project 30x 0.00016; 1000 Genomes Project 0.00020.
gnomAD v4.1: 25 of 1,613,746 alleles (0.0015%); highest among the groups gnomAD compares: South Asian, 0.019%; no homozygotes.

Submission:

Labcorp Genetics (formerly Invitae), Labcorp
Classification: Uncertain significance. Last evaluated: 2022-07-16. Review status: criteria provided, single submitter. Criteria: Invitae Variant Classification Sherloc (09022015). Collection method: clinical testing. Allele origin: germline.
Comment: In summary, the available evidence is currently insufficient to determine the role of this variant in disease. Therefore, it has been classified as a Variant of Uncertain Significance. Algorithms developed to predict the effect of sequence changes on RNA splicing suggest that this variant may disrupt the consensus splice site. Algorithms developed to predict the effect of missense changes on protein structure and function are either unavailable or do not agree on the potential impact of this missense change (SIFT: "Deleterious"; PolyPhen-2: "Benign"; Align-GVGD: "Class C65"). This variant has not been reported in the literature in individuals affected with NBAS-related conditions. This variant is present in population databases (rs560143646, gnomAD 0.01%). This sequence change replaces aspartic acid, which is acidic and polar, with glycine, which is neutral and non-polar, at codon 329 of the NBAS protein (p.Asp329Gly).

NM_015909.4(NBAS):c.986A>G (p.Asp329Gly)

Gene: NBAS (NBAS subunit of NRZ tethering complex; minus strand). Cytogenetic location: 2p24.3.
Variant type: single nucleotide variant.
Coding change: c.986A>G on transcript NM_015909.4 (MANE Select); coding-DNA position 986, A replaced by G.
Protein change: p.Asp329Gly; replaces aspartic acid 329 with glycine.
Molecular consequence: missense variant. On other transcripts: non-coding transcript variant (1).
Genome position (GRCh38, 1-based): chr2:15,488,991, T>C on the plus strand (A>G on the coding strand, the complement: NBAS is on the minus strand). VCF-style: chr2-15488991-T-C. GRCh37 (hg19) VCF-style: chr2-15629115-T-C.
Other names: short protein forms D329G.
Identifiers: ClinVar variation 2115760 (VCV002115760.4), dbSNP rs560143646, ClinGen allele CA1536828.
Genomic context (GRCh38, chr2:15,488,991, plus strand): 5'-GATGGAATCGCCCAGATGCTCAGTTTCCCTGAGAAGTGAATGGCTGCCAGGAGCATCCCA[T>C]CTGGAGAAAGGCTCATCTTAAAAATTCCATCCTAAATAAGAATCATAAGGTCAGGGCAAA-3'
Protein context (NP_056993.2, residues 319-339): DGIFKMSLSP[Asp329Gly]GMLLAAIHFS